The following is an entry in ClinVar:

NM_001035.3(RYR2):c.13737C>A (p.His4579Gln)

Gene: RYR2 (ryanodine receptor 2; plus strand). Cytogenetic location: 1q43.
Variant type: single nucleotide variant.
Coding change: c.13737C>A on transcript NM_001035.3 (MANE Select); coding-DNA position 13737, C replaced by A.
Protein change: p.His4579Gln; replaces histidine 4579 with glutamine.
Molecular consequence: missense variant.
Genome position (GRCh38, 1-based): chr1:237,792,278, C>A. VCF-style: chr1-237792278-C-A. GRCh37 (hg19) VCF-style: chr1-237955578-C-A.
Other names: c.13737C>A, p.His4579Gln (LRG_402t1); short protein forms H4579Q.
Identifiers: ClinVar variation 254160 (VCV000254160.2), dbSNP rs886037907, ClinGen allele CA10586348.

ClinVar aggregate classification (germline): Likely pathogenic (1 of 4 stars; one submission).

Conditions:
Catecholaminergic polymorphic ventricular tachycardia 1. Also called: VENTRICULAR TACHYCARDIA, CATECHOLAMINERGIC POLYMORPHIC, 1, WITH OR WITHOUT ATRIAL DYSFUNCTION AND/OR DILATED CARDIOMYOPATHY; RYR2-Related Catecholaminergic Polymorphic Ventricular Tachycardia; VENTRICULAR TACHYCARDIA, STRESS-INDUCED POLYMORPHIC 1. Identifiers: Orphanet 3286, MedGen C1631597, MONDO:0011484, OMIM 604772.

Submission:

Center for Medical Genetics Ghent, University of Ghent
Classification: Likely pathogenic for Catecholaminergic polymorphic ventricular tachycardia 1. Last evaluated: 2016-02-09. Review status: criteria provided, single submitter. Criteria: ACMG Guidelines, 2015. Collection method: clinical testing. Allele origin: germline. Affected: yes.
Comment: This variant has not been identified in large population databases (Gnomad, 1000 Genomes, Go NL, Exome Variant Server) and is predicted to have an impact on protein function according to multiple prediction programs. The variant was identified in two unrelated families. Previously, a different missense change at the same amino acid position has been identified (PMID: 28237968).

Literature cited by the submitters: PubMed 28237968.